The following is an entry in ClinVar:

NM_024426.6(WT1):c.1146T>A (p.Thr382=)

Gene: WT1 (WT1 transcription factor; minus strand). Cytogenetic location: 11p13.
Variant type: single nucleotide variant.
Coding change: c.1146T>A on transcript NM_024426.6 (MANE Select); coding-DNA position 1146, T replaced by A.
Protein change: p.Thr382=; no amino-acid change (threonine 382 retained).
Molecular consequence: synonymous variant. On other transcripts: 5 prime UTR variant (1), non-coding transcript variant (2).
Genome position (GRCh38, 1-based): chr11:32,396,375, A>T on the plus strand (T>A on the coding strand, the complement: WT1 is on the minus strand). VCF-style: chr11-32396375-A-T. GRCh37 (hg19) VCF-style: chr11-32417921-A-T.
Other names: c.1095T>A, p.Thr365= (NM_000378.6, NM_001407045.1, NM_001407048.1 and 1 more transcripts); c.495T>A, p.Thr165= (NM_001198551.2); c.444T>A, p.Thr148= (NM_001198552.2); c.-43T>A (NM_001367854.1); c.1140T>A, p.Thr380= (NM_001407044.1); c.1146T>A, p.Thr382= (NM_001407046.1, NM_024424.5); c.1023T>A, p.Thr341= (NM_001407047.1); c.972T>A, p.Thr324= (NM_001407050.1); and 2 more.
Identifiers: ClinVar variation 414076 (VCV000414076.18), dbSNP rs371168589, ClinGen allele CA064297.

ClinVar aggregate classification (germline): Likely benign. Review status: criteria provided, multiple submitters, no conflicts (2 of 4 stars). 7 submissions from 7 submitters: Likely benign (5). 2 of the submissions do not count toward it. Last evaluated 2025-10-14.

Conditions:
Inborn genetic diseases. Identifiers: MedGen C0950123, MeSH D030342.
Frasier syndrome. Identifiers: Orphanet 347, MedGen C0950122, MeSH D052159, MONDO:0007635, OMIM 136680.
Wilms tumor 1 (WT1). Also called: Wilms tumor, somatic. Identifiers: Orphanet 654, MedGen CN033288, MONDO:0008679, OMIM 194070.
11p partial monosomy syndrome (WAGR). Also called: CHROMOSOME 11p13 DELETION SYNDROME; WAGR Spectrum Disorder; WAGR syndrome; WAGR Complex. Identifiers: Orphanet 893, MedGen C0206115, MONDO:0008681, OMIM 194072.
Drash syndrome (DDS). Also called: NEPHROPATHY, WILMS TUMOR, AND GENITAL ANOMALIES; WILMS TUMOR AND PSEUDO- OR TRUE HERMAPHRODITISM. Identifiers: Orphanet 220, MedGen C0950121, MONDO:0008682, OMIM 194080.

Allele frequency attached by ClinVar (database versions not stated): TOPMed 0.00005; gnomAD 0.00006; gnomAD exomes 0.00006 and 0.00004; ESP Exome Variant Server 0.00008; ExAC 0.00002.
gnomAD v4.1: 92 of 1,614,030 alleles (0.0057%); highest among the groups gnomAD compares: Non-Finnish European, 0.0077%; no homozygotes.

Submissions (7):

Labcorp Genetics (formerly Invitae), Labcorp
Classification: Likely benign for Wilms tumor 1; Drash syndrome; 11p partial monosomy syndrome; Frasier syndrome. Last evaluated: 2025-10-14. Review status: criteria provided, single submitter. Criteria: Invitae Variant Classification Sherloc (09022015). Collection method: clinical testing. Allele origin: germline.

Ambry Genetics
Classification: Likely benign for Inborn genetic diseases. Last evaluated: 2024-08-21. Review status: criteria provided, single submitter. Criteria: Ambry Variant Classification Scheme 2023. Collection method: clinical testing. Allele origin: germline.

All of Us Research Program, National Institutes of Health
Classification: Likely benign for Wilms tumor 1. Last evaluated: 2024-02-05. Review status: criteria provided, single submitter. Criteria: ACMG Guidelines, 2015. Collection method: clinical testing. Allele origin: germline. Inheritance: Autosomal dominant inheritance. Observed: 10 variant alleles, 10 heterozygotes.
Comment: This study involves interpretation of variants in research participants for the purpose of population health screening. Participant phenotype was not available at the time of variant classification. Additional details can be found in publication PMID: 35346344, PMCID: PMC8962531

Color Diagnostics, LLC DBA Color Health
Classification: Likely benign for Wilms tumor 1. Last evaluated: 2023-03-30. Review status: criteria provided, single submitter. Criteria: ACMG Guidelines, 2015. Collection method: clinical testing. Allele origin: germline.

Blueprint Genetics
Classification: Likely benign. Last evaluated: 2022-08-30. Review status: criteria provided, single submitter. Criteria: ACMG Guidelines, 2015. Collection method: clinical testing. Allele origin: germline.

Diagnostic Laboratory, Department of Genetics, University Medical Center Groningen
Classification: Likely benign. Review status: no assertion criteria provided. Collection method: clinical testing. Allele origin: germline. Affected: yes. Study: VKGL Data-share Consensus. Not counted in ClinVar's aggregate classification.

Genome Diagnostics Laboratory, University Medical Center Utrecht
Classification: Likely benign. Review status: no assertion criteria provided. Collection method: clinical testing. Allele origin: germline. Affected: yes. Study: VKGL Data-share Consensus. Not counted in ClinVar's aggregate classification.